The following is an entry in ClinVar:

NM_144670.6(A2ML1):c.3058A>G (p.Asn1020Asp)

Gene: A2ML1 (alpha-2-macroglobulin like 1; plus strand). Cytogenetic location: 12p13.31.
Variant type: single nucleotide variant.
Coding change: c.3058A>G on transcript NM_144670.6 (MANE Select); coding-DNA position 3058, A replaced by G.
Protein change: p.Asn1020Asp; replaces asparagine 1020 with aspartic acid.
Molecular consequence: missense variant.
Genome position (GRCh38, 1-based): chr12:8,857,539, A>G. VCF-style: chr12-8857539-A-G. GRCh37 (hg19) VCF-style: chr12-9010135-A-G.
Other names: c.1585A>G, p.Asn529Asp (NM_001282424.3); short protein forms N1020D, N529D.
Identifiers: ClinVar variation 2723806 (VCV002723806.3), dbSNP rs1020098673, ClinGen allele CA232695944.

ClinVar aggregate classification (germline): Uncertain significance (1 of 4 stars; one submission).

Allele frequency attached by ClinVar (database versions not stated): gnomAD exomes below 0.00001; TOPMed 0.00001.
gnomAD v4.1: 2 of 1,612,340 alleles (0.00012%); highest among the groups gnomAD compares: Admixed American, 0.0033%; no homozygotes.

Submission:

Labcorp Genetics (formerly Invitae), Labcorp
Classification: Uncertain significance. Last evaluated: 2024-03-16. Review status: criteria provided, single submitter. Criteria: Invitae Variant Classification Sherloc (09022015). Collection method: clinical testing. Allele origin: germline.
Comment: This sequence change replaces asparagine, which is neutral and polar, with aspartic acid, which is acidic and polar, at codon 1020 of the A2ML1 protein (p.Asn1020Asp). This variant is present in population databases (no rsID available, gnomAD 0.006%). This variant has not been reported in the literature in individuals affected with A2ML1-related conditions. Algorithms developed to predict the effect of missense changes on protein structure and function output the following: SIFT: "Not Available"; PolyPhen-2: "Benign"; Align-GVGD: "Not Available". The aspartic acid amino acid residue is found in multiple mammalian species, which suggests that this missense change does not adversely affect protein function. In summary, the available evidence is currently insufficient to determine the role of this variant in disease. Therefore, it has been classified as a Variant of Uncertain Significance.